The following is an entry in ClinVar:

NM_000100.4(CSTB):c.15G>T (p.Ala5=)

Genes: CSTB (cystatin B; minus strand), LOC130066788 (ATAC-STARR-seq lymphoblastoid silent region 13368; plus strand). Cytogenetic location: 21q22.3.
Variant type: single nucleotide variant.
Coding change: c.15G>T on transcript NM_000100.4 (MANE Select); coding-DNA position 15, G replaced by T.
Protein change: p.Ala5=; no amino-acid change (alanine 5 retained).
Molecular consequence: synonymous variant.
Genome position (GRCh38, 1-based): chr21:43,776,255, C>A on the plus strand (G>T on the coding strand, the complement: CSTB is on the minus strand). VCF-style: chr21-43776255-C-A. GRCh37 (hg19) VCF-style: chr21-45196136-C-A.
Other names: p.A5A:GCG>GCT.
Identifiers: ClinVar variation 128858 (VCV000128858.31), dbSNP rs4533, ClinGen allele CA288793.
Genomic context (GRCh38, chr21:43,776,255, plus strand): 5'-CCCACCCACCTGGTCGGCGATGTGCTGGGTCTCGGCGGTGGCCGGCTGCGTGGCGGAGGG[C>A]GCCCCGCACATCATCTTGGCGGCGACGGAGGGAATCTGGCGAGGGGACTCGGCGAGGGGA-3'
Protein context (NP_000091.1, residues 1-15): MMCG[Ala5=]PSATQPATAE

ClinVar aggregate classification (germline): Benign/Likely benign. Review status: criteria provided, multiple submitters, no conflicts (2 of 4 stars). 10 submissions from 10 submitters: Benign (7); Likely benign (2). 1 of the submissions does not count toward it. Last evaluated 2026-02-03.

Conditions:
Inborn genetic diseases. Identifiers: MedGen C0950123, MeSH D030342.
Progressive myoclonic epilepsy. Also called: Familial progressive myoclonic epilepsy; Myoclonus epilepsy; Progressive myoclonus epilepsy; Myoclonic Epilepsies, Progressive. Identifiers: Orphanet 308, Orphanet 98261, MedGen C0751778, MONDO:0020074.
Unverricht-Lundborg syndrome. Also called: Progressive myoclonus epilepsy baltic myoclonic epilepsy; Myoclonus progressive epilepsy of Unverricht and Lundborg; Unverricht-Lundborg Disease; Myoclonic epilepsy of unverricht and lundborg; Epilepsy, progressive myoclonic 1A (Unverricht and Lundborg); EPILEPSY, PROGRESSIVE MYOCLONIC, 1A. Identifiers: Orphanet 308, MedGen C0751785, MONDO:0009698, OMIM 254800.

Allele frequency attached by ClinVar (database versions not stated): ExAC 0.00566; ESP Exome Variant Server 0.01584; gnomAD 0.01694 and 0.01826; 1000 Genomes Project 0.01717; 1000 Genomes Project 30x 0.01749; TOPMed 0.01929.
gnomAD v4.1: 4,956 of 1,528,018 alleles (0.32%); highest among the groups gnomAD compares: African/African-American, 5.6%; 142 homozygotes.

Submissions (10):

Labcorp Genetics (formerly Invitae), Labcorp
Classification: Benign for Progressive myoclonic epilepsy. Last evaluated: 2026-02-03. Review status: criteria provided, single submitter. Criteria: Invitae Variant Classification Sherloc (09022015). Collection method: clinical testing. Allele origin: germline.

Fulgent Genetics
Classification: Benign for Unverricht-Lundborg syndrome. Last evaluated: 2021-10-13. Review status: criteria provided, single submitter. Criteria: ACMG Guidelines, 2015. Collection method: clinical testing. Allele origin: unknown.

Athena Diagnostics
Classification: Benign. Last evaluated: 2020-09-29. Review status: criteria provided, single submitter. Criteria: Athena Diagnostics criteria. Collection method: clinical testing. Allele origin: unknown.

Illumina Laboratory Services, Illumina
Classification: Benign for Unverricht-Lundborg syndrome. Last evaluated: 2018-01-12. Review status: criteria provided, single submitter. Criteria: ICSL Variant Classification Criteria 13 December 2019. Collection method: clinical testing. Allele origin: germline.
Comment: This variant was observed in the ICSL laboratory as part of a predisposition screen in an ostensibly healthy population. It had not been previously curated by ICSL or reported in the Human Gene Mutation Database (HGMD: prior to June 1st, 2018), and was therefore a candidate for classification through an automated scoring system. Utilizing variant allele frequency, disease prevalence and penetrance estimates, and inheritance mode, an automated score was calculated to assess if this variant is too frequent to cause the disease. Based on the score and internal cut-off values, a variant classified as benign is not then subjected to further curation. The score for this variant resulted in a classification of benign for this disease.

Eurofins Ntd Llc (ga)
Classification: Benign. Last evaluated: 2016-05-18. Review status: criteria provided, single submitter. Criteria: EGL Classification Definitions 2015. Collection method: clinical testing. Allele origin: germline. Observed: 3 variant alleles, 2 heterozygotes.

Ambry Genetics
Classification: Likely benign for Inborn genetic diseases. Last evaluated: 2016-03-21. Review status: criteria provided, single submitter. Criteria: Ambry Variant Classification Scheme 2023. Collection method: clinical testing. Allele origin: germline.

GeneDx
Classification: Benign. Last evaluated: 2012-10-08. Review status: criteria provided, single submitter. Criteria: GeneDx Variant Classification (06012015). Collection method: clinical testing. Allele origin: germline. Affected: yes.
Comment: This variant is considered likely benign or benign based on one or more of the following criteria: it is a conservative change, it occurs at a poorly conserved position in the protein, it is predicted to be benign by multiple in silico algorithms, and/or has population frequency not consistent with disease.

Breakthrough Genomics
Classification: Likely benign. Review status: criteria provided, single submitter. Criteria: ACMG Guidelines, 2015. Collection method: not provided. Allele origin: germline. Inheritance: Autosomal recessive inheritance. Affected: yes.

PreventionGenetics, part of Exact Sciences
Classification: Benign. Review status: criteria provided, single submitter. Criteria: ACMG Guidelines, 2015. Collection method: clinical testing. Allele origin: germline.

Genetic Services Laboratory, University of Chicago
Classification: Likely benign for AllHighlyPenetrant. Review status: no assertion criteria provided. Collection method: clinical testing. Allele origin: germline. Inheritance: Autosomal recessive inheritance. Not counted in ClinVar's aggregate classification.
Comment: Likely benign based on allele frequency in 1000 Genomes Project or ESP global frequency and its presence in a patient with a rare or unrelated disease phenotype. NOT Sanger confirmed.